The following is an entry in ClinVar:

NM_001754.5(RUNX1):c.*3444A>G

Gene: RUNX1 (RUNX family transcription factor 1; minus strand). Cytogenetic location: 21q22.12.
Variant type: single nucleotide variant.
Coding change: c.*3444A>G on transcript NM_001754.5 (MANE Select); 3444 bases downstream of the stop codon, A replaced by G.
Molecular consequence: 3 prime UTR variant.
Genome position (GRCh38, 1-based): chr21:34,788,691, T>C on the plus strand (A>G on the coding strand, the complement: RUNX1 is on the minus strand). VCF-style: chr21-34788691-T-C. GRCh37 (hg19) VCF-style: chr21-36160988-T-C.
Other names: c.*3444A>G (NM_001001890.3).
Identifiers: ClinVar variation 339807 (VCV000339807.6), dbSNP rs183666715, ClinGen allele CA10653547.

ClinVar aggregate classification (germline): Likely benign. Review status: reviewed by expert panel (3 of 4 stars). 2 submissions from 2 submitters: Likely benign (1). 1 of the submissions does not count toward it. Last evaluated 2022-07-08.

Conditions:
Hereditary thrombocytopenia and hematologic cancer predisposition syndrome. Identifiers: Orphanet 71290, MedGen CN281654, MONDO:0011071.
Hereditary thrombocytopenia and hematological cancer predisposition syndrome associated with RUNX1. Also called: PLATELET DISORDER, ASPIRIN-LIKE; RUNX1 Familial Platelet Disorder with Associated Myeloid Malignancies; Familial Platelet Disorder with Propensity to Acute Myelogenous Leukemia; Familial thrombocytopenia with propensity to acute myelogenous leukemia. Identifiers: Orphanet 71290, MedGen C1832388, MeSH C563324, MONDO:0100083, OMIM 601399.

Allele frequency attached by ClinVar (database versions not stated): gnomAD exomes 0.00054; TOPMed 0.00079; 1000 Genomes Project 30x 0.00094; 1000 Genomes Project 0.00120; gnomAD 0.00210 and 0.00225.
gnomAD v4.1: 370 of 233,482 alleles (0.16%); highest among the groups gnomAD compares: Admixed American, 0.13%; 4 homozygotes.

Submissions (2):

ClinGen Myeloid Malignancy Variant Curation Expert Panel
Classification: Likely benign for Hereditary thrombocytopenia and hematologic cancer predisposition syndrome. Last evaluated: 2022-07-08. Review status: reviewed by expert panel. Criteria: ClinGen MyeloMalig ACMG Specifications v2. Collection method: curation. Allele origin: germline. Inheritance: Autosomal dominant inheritance.
Comment: NM_001754.5(RUNX1):c.*3444A>G is an intronic variant. MAF of 0.001 (0.1%, 18/15,276 alleles) in the Latino/Admixed American subpopulation of the gnomAD v3.1.2 cohort is ≥ 0.00015 (0.015%) (BS1). This variant is reported in 4 homozygotes in gnomAD v2.1.1 (BP2). In summary, this variant meets criteria to be classified as benign. ACMG/AMP criteria applied, as specified by the Myeloid Malignancy Variant Curation Expert Panel for RUNX1: BS1 and BP2

Illumina Laboratory Services, Illumina
Classification: Benign for Hereditary thrombocytopenia and hematological cancer predisposition syndrome associated with RUNX1. Last evaluated: 2018-01-13. Review status: criteria provided, single submitter. Criteria: ICSL Variant Classification Criteria 13 December 2019. Collection method: clinical testing. Allele origin: germline. Not counted in ClinVar's aggregate classification.
Comment: This variant was observed in the ICSL laboratory as part of a predisposition screen in an ostensibly healthy population. It had not been previously curated by ICSL or reported in the Human Gene Mutation Database (HGMD: prior to June 1st, 2018), and was therefore a candidate for classification through an automated scoring system. Utilizing variant allele frequency, disease prevalence and penetrance estimates, and inheritance mode, an automated score was calculated to assess if this variant is too frequent to cause the disease. Based on the score and internal cut-off values, a variant classified as benign is not then subjected to further curation. The score for this variant resulted in a classification of benign for this disease.